The following is an entry in ClinVar:

ClinVar aggregate classification (germline): Benign/Likely benign. Review status: criteria provided, multiple submitters, no conflicts (2 of 4 stars). 8 submissions from 8 submitters: Benign (3); Likely benign (3). 2 of the submissions do not count toward it. Last evaluated 2026-02-01.

Conditions:
Neuropathy, hereditary sensory and autonomic, type 2A (HSAN2A). Also called: ACROOSTEOLYSIS, GIACCAI TYPE; ACROOSTEOLYSIS, NEUROGENIC; MORVAN DISEASE; NEUROPATHY, CONGENITAL SENSORY; NEUROPATHY, HEREDITARY SENSORY RADICULAR, AUTOSOMAL RECESSIVE; NEUROPATHY, HEREDITARY SENSORY, TYPE IIA. Identifiers: Orphanet 970, MedGen C2752089, MONDO:0024309, OMIM 201300.
Pseudohypoaldosteronism type 2C (PHA2C). Also called: Pseudohypoaldosteronism Type IIC. Identifiers: Orphanet 757, Orphanet 88940, MedGen C1840391, MONDO:0013778, OMIM 614492.

Allele frequency attached by ClinVar (database versions not stated): gnomAD exomes 0.00465 and 0.00232; ExAC 0.00537; gnomAD 0.00316 and 0.00395; TOPMed 0.00377; ESP Exome Variant Server 0.00446; 1000 Genomes Project 30x 0.01062; 1000 Genomes Project 0.01138.
gnomAD v4.1: 4,062 of 1,614,212 alleles (0.25%); highest among the groups gnomAD compares: South Asian, 2.8%; 86 homozygotes.

Submissions (8):

Labcorp Genetics (formerly Invitae), Labcorp
Classification: Benign for Neuropathy, hereditary sensory and autonomic, type 2A; Pseudohypoaldosteronism type 2C. Last evaluated: 2026-02-01. Review status: criteria provided, single submitter. Criteria: Invitae Variant Classification Sherloc (09022015). Collection method: clinical testing. Allele origin: germline.

Fulgent Genetics
Classification: Likely benign for Neuropathy, hereditary sensory and autonomic, type 2A; Pseudohypoaldosteronism type 2C. Last evaluated: 2022-05-03. Review status: criteria provided, single submitter. Criteria: ACMG Guidelines, 2015. Collection method: clinical testing. Allele origin: unknown.

ARUP Laboratories, Molecular Genetics and Genomics, ARUP Laboratories
Classification: Benign. Last evaluated: 2022-02-05. Review status: criteria provided, single submitter. Criteria: ARUP Molecular Germline Variant Investigation Process 2021. Collection method: clinical testing. Allele origin: germline.

GeneDx
Classification: Likely benign. Last evaluated: 2018-07-06. Review status: criteria provided, single submitter. Criteria: GeneDx Variant Classification Process June 2021. Collection method: clinical testing. Allele origin: germline. Affected: yes.

Illumina Laboratory Services, Illumina
Classification: Benign for Pseudohypoaldosteronism type 2C. Last evaluated: 2018-01-13. Review status: criteria provided, single submitter. Criteria: ICSL Variant Classification Criteria 13 December 2019. Collection method: clinical testing. Allele origin: germline.
Comment: This variant was observed in the ICSL laboratory as part of a predisposition screen in an ostensibly healthy population. It had not been previously curated by ICSL or reported in the Human Gene Mutation Database (HGMD: prior to June 1st, 2018), and was therefore a candidate for classification through an automated scoring system. Utilizing variant allele frequency, disease prevalence and penetrance estimates, and inheritance mode, an automated score was calculated to assess if this variant is too frequent to cause the disease. Based on the score and internal cut-off values, a variant classified as benign is not then subjected to further curation. The score for this variant resulted in a classification of benign for this disease.

Breakthrough Genomics
Classification: Likely benign. Review status: criteria provided, single submitter. Criteria: ACMG Guidelines, 2015. Collection method: not provided. Allele origin: germline. Inheritance: Autosomal recessive inheritance. Affected: yes.

Clinical Genetics, Academic Medical Center
Classification: Benign. Review status: no assertion criteria provided. Collection method: clinical testing. Allele origin: germline. Affected: yes. Study: VKGL Data-share Consensus. Not counted in ClinVar's aggregate classification.

Genome Diagnostics Laboratory, University Medical Center Utrecht
Classification: Benign. Review status: no assertion criteria provided. Collection method: clinical testing. Allele origin: germline. Affected: yes. Study: VKGL Data-share Consensus. Not counted in ClinVar's aggregate classification.

NM_018979.4(WNK1):c.3654A>G (p.Ser1218=)

Gene: WNK1 (WNK lysine deficient protein kinase 1; plus strand). Cytogenetic location: 12p13.33.
Variant type: single nucleotide variant.
Coding change: c.3654A>G on transcript NM_018979.4 (MANE Select); coding-DNA position 3654, A replaced by G.
Protein change: p.Ser1218=; no amino-acid change (serine 1218 retained).
Molecular consequence: synonymous variant.
Genome position (GRCh38, 1-based): chr12:883,559, A>G. VCF-style: chr12-883559-A-G. GRCh37 (hg19) VCF-style: chr12-992725-A-G.
Other names: c.4434A>G, p.Ser1478= (NM_001184985.2); c.2913A>G, p.Ser971= (NM_014823.3); c.4410A>G, p.Ser1470= (NM_213655.5).
Identifiers: ClinVar variation 310820 (VCV000310820.30), dbSNP rs141971833, ClinGen allele CA6382811.